The following is an entry in ClinVar:

NM_177438.3(DICER1):c.5096-5C>G

Gene: DICER1 (dicer 1, ribonuclease III; minus strand). Cytogenetic location: 14q32.13.
Variant type: single nucleotide variant.
Coding change: c.5096-5C>G on transcript NM_177438.3 (MANE Select); 5 bases into the intron before coding-DNA position 5096, C replaced by G.
Molecular consequence: intron variant.
Genome position (GRCh38, 1-based): chr14:95,094,161, G>C on the plus strand (C>G on the coding strand, the complement: DICER1 is on the minus strand). VCF-style: chr14-95094161-G-C. GRCh37 (hg19) VCF-style: chr14-95560498-G-C.
Other names: c.5096-5C>G (NM_001291628.2, NM_030621.4, NM_001395677.1 and 8 more transcripts); c.4691-5C>G (NM_001395690.1, NM_001395687.1, NM_001395689.1 and 1 more transcripts); c.4814-5C>G (NM_001395686.1); c.4529-5C>G (NM_001395691.1); c.3413-5C>G (NM_001395697.1).
Identifiers: ClinVar variation 2700966 (VCV002700966.3), dbSNP rs1890104787, ClinGen allele CA2697554154.
Genomic context (GRCh38, chr14:95,094,161, plus strand): 5'-GGTTATGAGGTAGTCCAAAATCGCATCTCCCAGGAATTCTAAGCGCTGGTAACAATCTGA[G>C]GGGATCCGAAGTGGAACCGTAAGCTTGTGCAGAAGCATTTACACTATCCCCACATAGCAA-3'

ClinVar aggregate classification (germline): Uncertain significance (1 of 4 stars; one submission).

Conditions:
DICER1-related tumor predisposition. Also called: DICER1-related pleuropulmonary blastoma cancer predisposition syndrome; DICER1 syndrome. Identifiers: Orphanet 284343, MedGen C3839822, MONDO:0100216.

Submission:

Labcorp Genetics (formerly Invitae), Labcorp
Classification: Uncertain significance for DICER1-related tumor predisposition. Last evaluated: 2023-12-05. Review status: criteria provided, single submitter. Criteria: Invitae Variant Classification Sherloc (09022015). Collection method: clinical testing. Allele origin: germline.
Comment: This sequence change falls in intron 23 of the DICER1 gene. It does not directly change the encoded amino acid sequence of the DICER1 protein. This variant is not present in population databases (gnomAD no frequency). This variant has not been reported in the literature in individuals affected with DICER1-related conditions. Algorithms developed to predict the effect of sequence changes on RNA splicing suggest that this variant may disrupt the consensus splice site. In summary, the available evidence is currently insufficient to determine the role of this variant in disease. Therefore, it has been classified as a Variant of Uncertain Significance.